The following is an entry in ClinVar:

NM_001031710.3(KLHL7):c.592A>G (p.Thr198Ala)

Gene: KLHL7 (kelch like family member 7; plus strand). Cytogenetic location: 7p15.3.
Variant type: single nucleotide variant.
Coding change: c.592A>G on transcript NM_001031710.3 (MANE Select); coding-DNA position 592, A replaced by G.
Protein change: p.Thr198Ala; replaces threonine 198 with alanine.
Molecular consequence: missense variant. On other transcripts: non-coding transcript variant (1).
Genome position (GRCh38, 1-based): chr7:23,140,918, A>G. VCF-style: chr7-23140918-A-G. GRCh37 (hg19) VCF-style: chr7-23180537-A-G.
Other names: c.448A>G, p.Thr150Ala (NM_018846.5); short protein forms T198A, T150A.
Identifiers: ClinVar variation 5000002 (VCV005000002.1).

ClinVar aggregate classification (germline): Uncertain significance (1 of 4 stars; one submission).

Conditions:
KLHL7-related disorder. Also called: KLHL7-related condition; KLHL7-related disorders.

gnomAD v4.1: 1 of 1,614,026 alleles (0.000062%); highest among the groups gnomAD compares: South Asian, 0.0011%; no homozygotes.

Submission:

PreventionGenetics, part of Exact Sciences
Classification: Uncertain significance for KLHL7-related condition. Last evaluated: 2026-03-13. Review status: criteria provided, single submitter. Criteria: ACMG Guidelines, 2015. Collection method: clinical testing. Allele origin: germline.
Comment: The KLHL7 c.592A>G variant is predicted to result in the amino acid substitution p.Thr198Ala. To our knowledge, this variant has not been reported in the literature. This variant is reported in 0.0033% of alleles in individuals of South Asian descent in gnomAD. At this time, the clinical significance of this variant is uncertain due to the absence of conclusive functional and genetic evidence.